The following is an entry in ClinVar:

NM_000718.4(CACNA1B):c.6748C>T (p.Pro2250Ser)

Gene: CACNA1B (calcium voltage-gated channel subunit alpha1 B; plus strand). Cytogenetic location: 9q34.3.
Variant type: single nucleotide variant.
Coding change: c.6748C>T on transcript NM_000718.4 (MANE Select); coding-DNA position 6748, C replaced by T.
Protein change: p.Pro2250Ser; replaces proline 2250 with serine.
Molecular consequence: missense variant. On other transcripts: synonymous variant (1).
Genome position (GRCh38, 1-based): chr9:138,121,727, C>T. VCF-style: chr9-138121727-C-T. GRCh37 (hg19) VCF-style: chr9-141016179-C-T.
Other names: c.6561C>T, p.Pro2187= (NM_001243812.2); short protein forms P2250S.
Identifiers: ClinVar variation 1964733 (VCV001964733.2), dbSNP rs201272232, ClinGen allele CA5377797.

ClinVar aggregate classification (germline): Uncertain significance (1 of 4 stars; one submission).

Allele frequency attached by ClinVar (database versions not stated): ExAC 0.00003; gnomAD 0.00003; TOPMed 0.00003.
gnomAD v4.1: 52 of 1,613,334 alleles (0.0032%); highest among the groups gnomAD compares: Non-Finnish European, 0.0042%; no homozygotes.

Submission:

Labcorp Genetics (formerly Invitae), Labcorp
Classification: Uncertain significance. Last evaluated: 2022-03-13. Review status: criteria provided, single submitter. Criteria: Invitae Variant Classification Sherloc (09022015). Collection method: clinical testing. Allele origin: germline.
Comment: This sequence change replaces proline, which is neutral and non-polar, with serine, which is neutral and polar, at codon 2250 of the CACNA1B protein (p.Pro2250Ser). This variant is present in population databases (rs201272232, gnomAD 0.003%). This variant has not been reported in the literature in individuals affected with CACNA1B-related conditions. Advanced modeling of protein sequence and biophysical properties (such as structural, functional, and spatial information, amino acid conservation, physicochemical variation, residue mobility, and thermodynamic stability) performed at Invitae indicates that this missense variant is not expected to disrupt CACNA1B protein function. In summary, the available evidence is currently insufficient to determine the role of this variant in disease. Therefore, it has been classified as a Variant of Uncertain Significance.